The following is an entry in ClinVar:

ClinVar aggregate classification (germline): Conflicting classifications of pathogenicity. Review status: criteria provided, conflicting classifications (1 of 4 stars). 3 submissions from 3 submitters: Uncertain significance (2); Likely benign (1). Last evaluated 2025-03-24.

Conditions:
Hereditary cancer-predisposing syndrome. Also called: Neoplastic Syndromes, Hereditary; Hereditary Cancer Syndrome; Hereditary neoplastic syndrome; Tumor predisposition. Identifiers: Orphanet 140162, MedGen C0027672, MeSH D009386, MONDO:0015356.
Familial thoracic aortic aneurysm and aortic dissection (TAAD). Also called: Thoracic aortic aneurysms and dissections. Identifiers: Orphanet 91387, MedGen C4707243, MONDO:0019625.
Juvenile polyposis/hereditary hemorrhagic telangiectasia syndrome (JPHT). Also called: Juvenile Polyposis Syndrome / Hereditary Hemorrhagic Telangiectasia (JPS/HHT); JP/HHT SYNDROME; JUVENILE POLYPOSIS WITH HEREDITARY HEMORRHAGIC TELANGIECTASIA; POLYPOSIS, GENERALIZED JUVENILE, WITH PULMONARY ARTERIOVENOUS MALFORMATION; TELANGIECTASIA, HEREDITARY HEMORRHAGIC, WITH JUVENILE POLYPOSIS COLI. Identifiers: Orphanet 2929, MedGen C1832942, MONDO:0008278, OMIM 175050.

Allele frequency attached by ClinVar (database versions not stated): gnomAD exomes below 0.00001; ExAC 0.00001.
gnomAD v4.1: 8 of 1,610,576 alleles (0.0005%); highest among the groups gnomAD compares: Non-Finnish European, 0.00068%; no homozygotes.

Submissions (3):

Myriad Genetics, Inc.
Classification: Likely benign for Juvenile polyposis/hereditary hemorrhagic telangiectasia syndrome. Last evaluated: 2025-03-24. Review status: criteria provided, single submitter. Criteria: Myriad Autosomal Dominant, Autosomal Recessive and X-Linked Classification Criteria (2023). Collection method: clinical testing. Allele origin: unknown.
Comment: This variant is considered likely benign. This variant is intronic and is not expected to impact mRNA splicing.

Ambry Genetics
Classification: Uncertain significance for Hereditary cancer-predisposing syndrome; Familial thoracic aortic aneurysm and aortic dissection. Last evaluated: 2022-04-20. Review status: criteria provided, single submitter. Criteria: Ambry Variant Classification Scheme 2023. Collection method: clinical testing. Allele origin: germline.
Comment: The c.1448-5G>T intronic variant results from a G to T substitution 5 nucleotides upstream from coding exon 11 in the SMAD4 gene. This nucleotide position is not well conserved in available vertebrate species. In silico splice site analysis predicts that this alteration will not have any significant effect on splicing. Since supporting evidence is limited at this time, the clinical significance of this alteration remains unclear.

Color Diagnostics, LLC DBA Color Health
Classification: Uncertain significance for Hereditary cancer-predisposing syndrome. Last evaluated: 2021-07-26. Review status: criteria provided, single submitter. Criteria: ACMG Guidelines, 2015. Collection method: clinical testing. Allele origin: germline.
Comment: This variant causes a G to T nucleotide substitution at the -5 position of intron 11 of the SMAD4 gene. To our knowledge, functional studies have not been reported for this variant. This variant has not been reported in individuals affected with hereditary cancer in the literature. This variant has been identified in 1/250660 chromosomes in the general population by the Genome Aggregation Database (gnomAD). The available evidence is insufficient to determine the role of this variant in disease conclusively. Therefore, this variant is classified as a Variant of Uncertain Significance.

NM_005359.6(SMAD4):c.1448-5G>T

Gene: SMAD4 (SMAD family member 4; plus strand). Cytogenetic location: 18q21.2.
Variant type: single nucleotide variant.
Coding change: c.1448-5G>T on transcript NM_005359.6 (MANE Select); 5 bases into the intron before coding-DNA position 1448, G replaced by T.
Molecular consequence: intron variant.
Genome position (GRCh38, 1-based): chr18:51,078,251, G>T. VCF-style: chr18-51078251-G-T. GRCh37 (hg19) VCF-style: chr18-48604621-G-T.
Identifiers: ClinVar variation 1332460 (VCV001332460.5), dbSNP rs587781640, ClinGen allele CA8966099.
Genomic context (GRCh38, chr18:51,078,251, plus strand): 5'-GAATGTAGGGAGGATGGGAAGAGATCACCCTGTCCCTCTGATGTCTTCCAAATCTTTTCT[G>T]TTAGGTCTGTCAGCTGCTGCTGGAATTGGTGTTGATGACCTTCGTCGCTTATGCATACTC-3'